The following is an entry in ClinVar:

NM_144596.4(TTC8):c.1464G>A (p.Ala488=)

Gene: TTC8 (tetratricopeptide repeat domain 8; plus strand). Cytogenetic location: 14q31.3.
Variant type: single nucleotide variant.
Coding change: c.1464G>A on transcript NM_144596.4 (MANE Select); coding-DNA position 1464, G replaced by A.
Protein change: p.Ala488=; no amino-acid change (alanine 488 retained).
Molecular consequence: synonymous variant. On other transcripts: non-coding transcript variant (1).
Genome position (GRCh38, 1-based): chr14:88,877,326, G>A. VCF-style: chr14-88877326-G-A. GRCh37 (hg19) VCF-style: chr14-89343670-G-A.
Other names: c.1512G>A, p.Ala504= (NM_001288781.1); c.870G>A, p.Ala290= (NM_001288782.1); c.747G>A, p.Ala249= (NM_001288783.1); c.1350G>A, p.Ala450= (NM_001366535.2); c.1260G>A, p.Ala420= (NM_001366536.2); c.1434G>A, p.Ala478= (NM_198309.3); c.1344G>A, p.Ala448= (NM_198310.3); c.1464G>A (NM_144596.3).
Identifiers: ClinVar variation 1627334 (VCV001627334.12), dbSNP rs142073418, ClinGen allele CA7302782.
Genomic context (GRCh38, chr14:88,877,326, plus strand): 5'-CATGGTCTTATTCTTGTATTTTTTGCAGATTGGAGATCTGCAGAGAAGCTATGTTGCTGC[G>A]CAGAAGTCTGAAGCAGCATTTCCAGACCATGTGGACACACAACATTTAATTAAACAATTA-3'
Protein context (NP_653197.2, residues 478-498): IGDLQRSYVA[Ala488=]QKSEAAFPDH

ClinVar aggregate classification (germline): Likely benign. Review status: criteria provided, multiple submitters, no conflicts (2 of 4 stars). 4 submissions from 4 submitters: Likely benign (3). 1 of the submissions does not count toward it. Last evaluated 2024-10-09.

Conditions:
Bardet-Biedl syndrome (BBS). Identifiers: Orphanet 110, MedGen C0752166, MONDO:0015229.
TTC8-related disorder. Also called: TTC8-related condition.
Retinitis pigmentosa 51 (RP51). Identifiers: Orphanet 791, MedGen C3150715, MONDO:0013274, OMIM 613464.
Bardet-Biedl syndrome 8 (BBS8). Identifiers: Orphanet 110, MedGen C1859566, MONDO:0014436, OMIM 615985.

gnomAD v4.1: 45 of 1,613,404 alleles (0.0028%); highest among the groups gnomAD compares: African/African-American, 0.043%; no homozygotes.

Submissions (4):

Labcorp Genetics (formerly Invitae), Labcorp
Classification: Likely benign for Bardet-Biedl syndrome. Last evaluated: 2024-10-09. Review status: criteria provided, single submitter. Criteria: Invitae Variant Classification Sherloc (09022015). Collection method: clinical testing. Allele origin: germline.

Fulgent Genetics
Classification: Likely benign for Retinitis pigmentosa 51; Bardet-Biedl syndrome 8. Last evaluated: 2022-02-12. Review status: criteria provided, single submitter. Criteria: ACMG Guidelines, 2015. Collection method: clinical testing. Allele origin: unknown.

Blueprint Genetics
Classification: Likely benign. Last evaluated: 2021-03-31. Review status: criteria provided, single submitter. Criteria: ACMG Guidelines, 2015. Collection method: clinical testing. Allele origin: germline.

PreventionGenetics, part of Exact Sciences
Classification: Likely benign for TTC8-related condition. Last evaluated: 2020-10-26. Review status: no assertion criteria provided. Collection method: clinical testing. Allele origin: germline. Not counted in ClinVar's aggregate classification.
Comment: This variant is classified as likely benign based on ACMG/AMP sequence variant interpretation guidelines (Richards et al. 2015 PMID: 25741868, with internal and published modifications).